The following is an entry in ClinVar:

NM_000494.4(COL17A1):c.2399-9T>A

Gene: COL17A1 (collagen type XVII alpha 1 chain; minus strand). Cytogenetic location: 10q25.1.
Variant type: single nucleotide variant.
Coding change: c.2399-9T>A on transcript NM_000494.4 (MANE Select); 9 bases into the intron before coding-DNA position 2399, T replaced by A.
Molecular consequence: intron variant.
Genome position (GRCh38, 1-based): chr10:104,043,869, A>T on the plus strand (T>A on the coding strand, the complement: COL17A1 is on the minus strand). VCF-style: chr10-104043869-A-T. GRCh37 (hg19) VCF-style: chr10-105803627-A-T.
Identifiers: ClinVar variation 2825119 (VCV002825119.3), dbSNP rs201095550, ClinGen allele CA2739276032.

ClinVar aggregate classification (germline): Uncertain significance (1 of 4 stars; one submission).

Submission:

Labcorp Genetics (formerly Invitae), Labcorp
Classification: Uncertain significance. Last evaluated: 2022-12-30. Review status: criteria provided, single submitter. Criteria: Invitae Variant Classification Sherloc (09022015). Collection method: clinical testing. Allele origin: germline.
Comment: This sequence change falls in intron 33 of the COL17A1 gene. It does not directly change the encoded amino acid sequence of the COL17A1 protein. In summary, the available evidence is currently insufficient to determine the role of this variant in disease. Therefore, it has been classified as a Variant of Uncertain Significance. Algorithms developed to predict the effect of sequence changes on RNA splicing suggest that this variant may disrupt the consensus splice site. This variant has not been reported in the literature in individuals affected with COL17A1-related conditions. This variant is not present in population databases (gnomAD no frequency).